The following is an entry in ClinVar:

NM_001244008.2(KIF1A):c.323T>A (p.Met108Lys)

Gene: KIF1A (kinesin family member 1A; minus strand). Cytogenetic location: 2q37.3.
Variant type: single nucleotide variant.
Coding change: c.323T>A on transcript NM_001244008.2 (MANE Select); coding-DNA position 323, T replaced by A.
Protein change: p.Met108Lys; replaces methionine 108 with lysine.
Molecular consequence: missense variant.
Genome position (GRCh38, 1-based): chr2:240,788,091, A>T on the plus strand (T>A on the coding strand, the complement: KIF1A is on the minus strand). VCF-style: chr2-240788091-A-T. GRCh37 (hg19) VCF-style: chr2-241727508-A-T.
Other names: c.323T>A, p.Met108Lys (NM_001320705.2, NM_001330289.2, NM_001330290.2 and 21 more transcripts); short protein forms M108K.
Identifiers: ClinVar variation 2130334 (VCV002130334.4), dbSNP rs2055180415, ClinGen allele CA351310133.

ClinVar aggregate classification (germline): Uncertain significance (1 of 4 stars; one submission).

Conditions:
Neuropathy, hereditary sensory, type 2C. Also called: Hereditary sensory and autonomic neuropathy type IIC; KIF1A-Related HSAN2 (HSAN2C). Identifiers: Orphanet 970, MedGen C3280168, MONDO:0013634, OMIM 614213.
Intellectual disability, autosomal dominant 9 (NESCAVS). Also called: NESCAV SYNDROME; KIF1A-Related Neurodevelopmental Disorder. Identifiers: Orphanet 662367, MedGen C5393830, MONDO:0013656, OMIM 614255.
Hereditary spastic paraplegia 30. Identifiers: Orphanet 101010, MedGen C5235139, MONDO:0012476.

Allele frequency attached by ClinVar (database versions not stated): gnomAD exomes below 0.00001.

Submission:

Labcorp Genetics (formerly Invitae), Labcorp
Classification: Uncertain significance for Hereditary spastic paraplegia 30; Neuropathy, hereditary sensory, type 2C; Intellectual disability, autosomal dominant 9. Last evaluated: 2025-05-12. Review status: criteria provided, single submitter. Criteria: Invitae Variant Classification Sherloc (09022015). Collection method: clinical testing. Allele origin: germline.
Comment: This sequence change replaces methionine, which is neutral and non-polar, with lysine, which is basic and polar, at codon 108 of the KIF1A protein (p.Met108Lys). This variant is not present in population databases (gnomAD no frequency). This variant has not been reported in the literature in individuals affected with KIF1A-related conditions. ClinVar contains an entry for this variant (Variation ID: 2130334). Invitae Evidence Modeling of protein sequence and biophysical properties (such as structural, functional, and spatial information, amino acid conservation, physicochemical variation, residue mobility, and thermodynamic stability) indicates that this missense variant is expected to disrupt KIF1A protein function with a positive predictive value of 95%. In summary, the available evidence is currently insufficient to determine the role of this variant in disease. Therefore, it has been classified as a Variant of Uncertain Significance.